The following is an entry in ClinVar:

NM_177438.3(DICER1):c.2562C>T (p.Phe854=)

Gene: DICER1 (dicer 1, ribonuclease III; minus strand). Cytogenetic location: 14q32.13.
Variant type: single nucleotide variant.
Coding change: c.2562C>T on transcript NM_177438.3 (MANE Select); coding-DNA position 2562, C replaced by T.
Protein change: p.Phe854=; no amino-acid change (phenylalanine 854 retained).
Molecular consequence: synonymous variant. On other transcripts: non-coding transcript variant (6).
Genome position (GRCh38, 1-based): chr14:95,107,968, G>A on the plus strand (C>T on the coding strand, the complement: DICER1 is on the minus strand). VCF-style: chr14-95107968-G-A. GRCh37 (hg19) VCF-style: chr14-95574305-G-A.
Other names: c.2562C>T, p.Phe854= (NM_001195573.1, NM_001271282.3, NM_001291628.2 and 13 more transcripts); c.2280C>T, p.Phe760= (NM_001395686.1); c.2157C>T, p.Phe719= (NM_001395687.1, NM_001395688.1, NM_001395689.1 and 2 more transcripts); c.1995C>T, p.Phe665= (NM_001395691.1); c.879C>T, p.Phe293= (NM_001395697.1).
Identifiers: ClinVar variation 2163432 (VCV002163432.6), dbSNP rs1555370794, ClinGen allele CA487844830.

ClinVar aggregate classification (germline): Benign/Likely benign. Review status: criteria provided, multiple submitters, no conflicts (2 of 4 stars). 3 submissions from 3 submitters: Benign (1); Likely benign (2). Last evaluated 2026-08-17.

Conditions:
DICER1-related tumor predisposition. Also called: DICER1-related pleuropulmonary blastoma cancer predisposition syndrome; DICER1 syndrome. Identifiers: Orphanet 284343, MedGen C3839822, MONDO:0100216.
Hereditary cancer-predisposing syndrome. Also called: Neoplastic Syndromes, Hereditary; Tumor predisposition; Hereditary Cancer Syndrome; Hereditary neoplastic syndrome. Identifiers: Orphanet 140162, MedGen C0027672, MeSH D009386, MONDO:0015356.

Submissions (3):

Myriad Genetics, Inc.
Classification: Benign for DICER1-related tumor predisposition. Last evaluated: 2026-08-17. Review status: criteria provided, single submitter. Criteria: Myriad Autosomal Dominant, Autosomal Recessive and X-Linked Classification Criteria (2023). Collection method: clinical testing. Allele origin: unknown.
Comment: This variant is considered benign. This variant is a silent/synonymous amino acid change and it is not expected to impact splicing.

Ambry Genetics
Classification: Likely benign for Hereditary cancer-predisposing syndrome. Last evaluated: 2024-05-31. Review status: criteria provided, single submitter. Criteria: Ambry Variant Classification Scheme 2023. Collection method: clinical testing. Allele origin: germline.

Labcorp Genetics (formerly Invitae), Labcorp
Classification: Likely benign for DICER1-related tumor predisposition. Last evaluated: 2021-12-17. Review status: criteria provided, single submitter. Criteria: Invitae Variant Classification Sherloc (09022015). Collection method: clinical testing. Allele origin: germline.